The following is an entry in ClinVar:

NM_033395.2(CEP295):c.5256T>C (p.Asp1752=)

Gene: CEP295 (centrosomal protein 295; plus strand). Cytogenetic location: 11q21.
Variant type: single nucleotide variant.
Coding change: c.5256T>C on transcript NM_033395.2 (MANE Select); coding-DNA position 5256, T replaced by C.
Protein change: p.Asp1752=; no amino-acid change (aspartic acid 1752 retained).
Molecular consequence: synonymous variant.
Genome position (GRCh38, 1-based): chr11:93,700,168, T>C. VCF-style: chr11-93700168-T-C. GRCh37 (hg19) VCF-style: chr11-93433334-T-C.
Identifiers: ClinVar variation 4822695 (VCV004822695.4).
Genomic context (GRCh38, chr11:93,700,168, plus strand): 5'-TGTACAGAGACAAACAGCATTGCAGCAGCAGATACAGAAACATGAAGAGACTTTGAAGGA[T>C]TTCTTTAAAGACAGTCAGGTATGTTTTAAACCTGAATAATAATGAAACACTAGAAGTTTA-3'
Protein context (NP_203753.1, residues 1742-1762): QIQKHEETLK[Asp1752=]FFKDSQISKP

ClinVar aggregate classification (germline): Likely benign (1 of 4 stars; one submission).

Submission:

CeGaT Center for Human Genetics Tuebingen
Classification: Likely benign. Last evaluated: 2026-07-01. Review status: criteria provided, single submitter. Criteria: CeGaT Center For Human Genetics Tuebingen Variant Classification Criteria Version 2. Collection method: clinical testing. Allele origin: germline. Affected: yes. Observed: 2 variant alleles.
Comment: CEP295: PM2:Supporting, BP4, BP7